The following is an entry in ClinVar:

NM_000452.3(SLC10A2):c.706G>A (p.Ala236Thr)

Gene: SLC10A2 (solute carrier family 10 member 2; minus strand). Cytogenetic location: 13q33.1.
Variant type: single nucleotide variant.
Coding change: c.706G>A on transcript NM_000452.3 (MANE Select); coding-DNA position 706, G replaced by A.
Protein change: p.Ala236Thr; replaces alanine 236 with threonine.
Molecular consequence: missense variant.
Genome position (GRCh38, 1-based): chr13:103,051,312, C>T on the plus strand (G>A on the coding strand, the complement: SLC10A2 is on the minus strand). VCF-style: chr13-103051312-C-T. GRCh37 (hg19) VCF-style: chr13-103703662-C-T.
Other names: short protein forms A236T.
Identifiers: ClinVar variation 2883137 (VCV002883137.3), dbSNP rs780201573, ClinGen allele CA7042087.

ClinVar aggregate classification (germline): Uncertain significance (1 of 4 stars; one submission).

Allele frequency attached by ClinVar (database versions not stated): gnomAD exomes below 0.00001; ExAC 0.00001.

Submission:

Labcorp Genetics (formerly Invitae), Labcorp
Classification: Uncertain significance. Last evaluated: 2023-10-13. Review status: criteria provided, single submitter. Criteria: Invitae Variant Classification Sherloc (09022015). Collection method: clinical testing. Allele origin: germline.
Comment: This sequence change replaces alanine, which is neutral and non-polar, with threonine, which is neutral and polar, at codon 236 of the SLC10A2 protein (p.Ala236Thr). This variant is present in population databases (rs780201573, gnomAD 0.0009%). This variant has not been reported in the literature in individuals affected with SLC10A2-related conditions. Advanced modeling of protein sequence and biophysical properties (such as structural, functional, and spatial information, amino acid conservation, physicochemical variation, residue mobility, and thermodynamic stability) performed at Invitae indicates that this missense variant is not expected to disrupt SLC10A2 protein function. In summary, the available evidence is currently insufficient to determine the role of this variant in disease. Therefore, it has been classified as a Variant of Uncertain Significance.